The following is an entry in ClinVar:

NM_006031.6(PCNT):c.3731T>C (p.Met1244Thr)

Gene: PCNT (pericentrin; plus strand). Cytogenetic location: 21q22.3.
Variant type: single nucleotide variant.
Coding change: c.3731T>C on transcript NM_006031.6 (MANE Select); coding-DNA position 3731, T replaced by C.
Protein change: p.Met1244Thr; replaces methionine 1244 with threonine.
Molecular consequence: missense variant.
Genome position (GRCh38, 1-based): chr21:46,389,322, T>C. VCF-style: chr21-46389322-T-C. GRCh37 (hg19) VCF-style: chr21-47809237-T-C.
Other names: c.3377T>C, p.Met1126Thr (NM_001315529.2); short protein forms M1126T, M1244T.
Identifiers: ClinVar variation 3354591 (VCV003354591.1).
Genomic context (GRCh38, chr21:46,389,322, plus strand): 5'-AATGTGCAGAGATGTCTTCCGTGGCTGAAATTAGCAGCCACATGCGTGAAAGCTTTCTCA[T>C]GAGCCCAGAAAGTGTGCGGGAGTGTGAGCAGCCCATCCGGAGGGTCTTCCAGAGCCTCAG-3'
Protein context (NP_006022.3, residues 1234-1254): ISSHMRESFL[Met1244Thr]SPESVRECEQ

ClinVar aggregate classification (germline): Uncertain significance (0 of 4 stars; one submission).

Conditions:
PCNT-related disorder. Also called: PCNT-related condition.

Submission:

PreventionGenetics, part of Exact Sciences
Classification: Uncertain significance for PCNT-related condition. Last evaluated: 2024-04-12. Review status: no assertion criteria provided. Collection method: clinical testing. Allele origin: germline.
Comment: The PCNT c.3731T>C variant is predicted to result in the amino acid substitution p.Met1244Thr. To our knowledge, this variant has not been reported in the literature. This variant is reported in 0.0062% of alleles in individuals of African descent in gnomAD. At this time, the clinical significance of this variant is uncertain due to the absence of conclusive functional and genetic evidence.